The following is an entry in ClinVar:

ClinVar aggregate classification (germline): Uncertain significance (1 of 4 stars; one submission).

Conditions:
Congenital disorder of glycosylation, type IIq. Also called: CDG IIq. Identifiers: Orphanet 435934, MedGen C4479353, MONDO:0054559, OMIM 617395.

Allele frequency attached by ClinVar (database versions not stated): gnomAD exomes 0.00002 and 0.00004; TOPMed 0.00002; gnomAD 0.00003; ExAC 0.00001.
gnomAD v4.1: 15 of 1,614,000 alleles (0.00093%); highest among the groups gnomAD compares: Admixed American, 0.01%; no homozygotes.

Submission:

Labcorp Genetics (formerly Invitae), Labcorp
Classification: Uncertain significance for Congenital disorder of glycosylation, type IIq. Last evaluated: 2019-10-04. Review status: criteria provided, single submitter. Criteria: Invitae Variant Classification Sherloc (09022015). Collection method: clinical testing. Allele origin: germline.
Comment: In summary, the available evidence is currently insufficient to determine the role of this variant in disease. Therefore, it has been classified as a Variant of Uncertain Significance. Algorithms developed to predict the effect of missense changes on protein structure and function output the following: SIFT: "Tolerated"; PolyPhen-2: "Benign"; Align-GVGD: "Class C0". The arginine amino acid residue is found in multiple mammalian species, suggesting that this missense change does not adversely affect protein function. These predictions have not been confirmed by published functional studies and their clinical significance is uncertain. This variant has not been reported in the literature in individuals with COG2-related disease. This variant is present in population databases (rs752620342, ExAC 0.009%). This sequence change replaces lysine with arginine at codon 570 of the COG2 protein (p.Lys570Arg). The lysine residue is weakly conserved and there is a small physicochemical difference between lysine and arginine.

NM_007357.3(COG2):c.1709A>G (p.Lys570Arg)

Gene: COG2 (component of oligomeric golgi complex 2; plus strand). Cytogenetic location: 1q42.2.
Variant type: single nucleotide variant.
Coding change: c.1709A>G on transcript NM_007357.3 (MANE Select); coding-DNA position 1709, A replaced by G.
Protein change: p.Lys570Arg; replaces lysine 570 with arginine.
Molecular consequence: missense variant.
Genome position (GRCh38, 1-based): chr1:230,688,477, A>G. VCF-style: chr1-230688477-A-G. GRCh37 (hg19) VCF-style: chr1-230824223-A-G.
Other names: c.1706A>G, p.Lys569Arg (NM_001145036.2); short protein forms K569R, K570R.
Identifiers: ClinVar variation 934430 (VCV000934430.6), dbSNP rs752620342, ClinGen allele CA1447851.